The following is an entry in ClinVar:

ClinVar aggregate classification (germline): Uncertain significance. Review status: criteria provided, multiple submitters, no conflicts (2 of 4 stars). 3 submissions from 3 submitters: Uncertain significance (3). Last evaluated 2025-12-29.

Conditions:
Hyperkalemic periodic paralysis. Also called: Familial hyperkalemic periodic paralysis; Gamstorp disease. Identifiers: Orphanet 682, MedGen C0238357, MONDO:0008224, OMIM 170500, HP:0007215.
Inborn genetic diseases. Identifiers: MedGen C0950123, MeSH D030342.

Allele frequency attached by ClinVar (database versions not stated): TOPMed 0.00001; ExAC 0.00008.
gnomAD v4.1: 54 of 1,613,324 alleles (0.0033%); highest among the groups gnomAD compares: Non-Finnish European, 0.0044%; no homozygotes.

Submissions (3):

Center for Genomic Medicine, Rigshospitalet, Copenhagen University Hospital
Classification: Uncertain significance. Last evaluated: 2025-12-29. Review status: criteria provided, single submitter. Criteria: ACMG Guidelines, 2015. Collection method: clinical testing. Allele origin: germline.

Labcorp Genetics (formerly Invitae), Labcorp
Classification: Uncertain significance for Hyperkalemic periodic paralysis. Last evaluated: 2025-10-31. Review status: criteria provided, single submitter. Criteria: Invitae Variant Classification Sherloc (09022015). Collection method: clinical testing. Allele origin: germline.
Comment: This sequence change replaces isoleucine, which is neutral and non-polar, with methionine, which is neutral and non-polar, at codon 1104 of the SCN4A protein (p.Ile1104Met). This variant is present in population databases (rs779189351, gnomAD 0.009%). This variant has not been reported in the literature in individuals affected with SCN4A-related conditions. ClinVar contains an entry for this variant (Variation ID: 1045484). Invitae Evidence Modeling of protein sequence and biophysical properties (such as structural, functional, and spatial information, amino acid conservation, physicochemical variation, residue mobility, and thermodynamic stability) indicates that this missense variant is expected to disrupt SCN4A protein function with a positive predictive value of 95%. In summary, the available evidence is currently insufficient to determine the role of this variant in disease. Therefore, it has been classified as a Variant of Uncertain Significance.

Ambry Genetics
Classification: Uncertain significance for Inborn genetic diseases. Last evaluated: 2022-06-24. Review status: criteria provided, single submitter. Criteria: Ambry Variant Classification Scheme 2023. Collection method: clinical testing. Allele origin: germline.

Literature cited by the submitters: PubMed 20301512 (cited by Center for Genomic Medicine, Rigshospitalet, Copenhagen University Hospital).

NM_000334.4(SCN4A):c.3312C>G (p.Ile1104Met)

Genes: GH-LCR (growth hormone locus control region; plus strand), SCN4A (sodium voltage-gated channel alpha subunit 4; minus strand). Cytogenetic location: 17q23.3.
Variant type: single nucleotide variant.
Coding change: c.3312C>G on transcript NM_000334.4 (MANE Select); coding-DNA position 3312, C replaced by G.
Protein change: p.Ile1104Met; replaces isoleucine 1104 with methionine.
Molecular consequence: missense variant.
Genome position (GRCh38, 1-based): chr17:63,947,896, G>C on the plus strand (C>G on the coding strand, the complement: SCN4A is on the minus strand). VCF-style: chr17-63947896-G-C. GRCh37 (hg19) VCF-style: chr17-62025256-G-C.
Other names: short protein forms I1104M.
Identifiers: ClinVar variation 1045484 (VCV001045484.11), dbSNP rs779189351, ClinGen allele CA8709329.